The following is an entry in ClinVar:

NM_000209.4(PDX1):c.592C>A (p.Arg198Ser)

Gene: PDX1 (pancreatic and duodenal homeobox 1; plus strand). Cytogenetic location: 13q12.2.
Variant type: single nucleotide variant.
Coding change: c.592C>A on transcript NM_000209.4 (MANE Select); coding-DNA position 592, C replaced by A.
Protein change: p.Arg198Ser; replaces arginine 198 with serine.
Molecular consequence: missense variant.
Genome position (GRCh38, 1-based): chr13:27,924,441, C>A. VCF-style: chr13-27924441-C-A. GRCh37 (hg19) VCF-style: chr13-28498578-C-A.
Other names: short protein forms R198S.
Identifiers: ClinVar variation 2845832 (VCV002845832.4), dbSNP rs773768784, ClinGen allele CA6927686.

ClinVar aggregate classification (germline): Uncertain significance. Review status: criteria provided, multiple submitters, no conflicts (2 of 4 stars). 2 submissions from 2 submitters: Uncertain significance (2). Last evaluated 2023-11-06.

Allele frequency attached by ClinVar (database versions not stated): ExAC 0.00001.

Submissions (2):

Blueprint Genetics
Classification: Uncertain significance. Last evaluated: 2023-11-06. Review status: criteria provided, single submitter. Criteria: ACMG Guidelines, 2015. Collection method: clinical testing. Allele origin: germline.

Labcorp Genetics (formerly Invitae), Labcorp
Classification: Uncertain significance. Last evaluated: 2023-03-14. Review status: criteria provided, single submitter. Criteria: Invitae Variant Classification Sherloc (09022015). Collection method: clinical testing. Allele origin: germline.
Comment: This variant is present in population databases (rs773768784, gnomAD 0.007%). In summary, the available evidence is currently insufficient to determine the role of this variant in disease. Therefore, it has been classified as a Variant of Uncertain Significance. Advanced modeling of protein sequence and biophysical properties (such as structural, functional, and spatial information, amino acid conservation, physicochemical variation, residue mobility, and thermodynamic stability) performed at Invitae indicates that this missense variant is expected to disrupt PDX1 protein function. This variant has not been reported in the literature in individuals affected with PDX1-related conditions. This sequence change replaces arginine, which is basic and polar, with serine, which is neutral and polar, at codon 198 of the PDX1 protein (p.Arg198Ser).